The following is an entry in ClinVar:

NM_014141.6(CNTNAP2):c.2190C>T (p.Cys730=)

Gene: CNTNAP2 (contactin associated protein 2; plus strand). Cytogenetic location: 7q35.
Variant type: single nucleotide variant.
Coding change: c.2190C>T on transcript NM_014141.6 (MANE Select); coding-DNA position 2190, C replaced by T.
Protein change: p.Cys730=; no amino-acid change (cysteine 730 retained).
Molecular consequence: synonymous variant.
Genome position (GRCh38, 1-based): chr7:147,903,656, C>T. VCF-style: chr7-147903656-C-T. GRCh37 (hg19) VCF-style: chr7-147600748-C-T.
Other names: p.C730C:TGC>TGT.
Identifiers: ClinVar variation 136817 (VCV000136817.51), dbSNP rs74354654, ClinGen allele CA290174.

ClinVar aggregate classification (germline): Benign/Likely benign. Review status: criteria provided, multiple submitters, no conflicts (2 of 4 stars). 8 submissions from 8 submitters: Benign (3); Likely benign (5). Last evaluated 2026-06-01.

Conditions:
Inborn genetic diseases. Identifiers: MedGen C0950123, MeSH D030342.
Cortical dysplasia-focal epilepsy syndrome (PTHSL1). Also called: Pitt-Hopkins-like syndrome 1. Identifiers: Orphanet 163681, Orphanet 221150, MedGen C2750246, MONDO:0012400, OMIM 610042.

Allele frequency attached by ClinVar (database versions not stated): gnomAD 0.00029 and 0.00035; TOPMed 0.00066; ExAC 0.00089; 1000 Genomes Project 30x 0.00094; gnomAD exomes 0.00096; 1000 Genomes Project 0.00100.
gnomAD v4.1: 445 of 1,614,022 alleles (0.028%); highest among the groups gnomAD compares: East Asian, 0.57%; 2 homozygotes.

Submissions (8):

CeGaT Center for Human Genetics Tuebingen
Classification: Likely benign. Last evaluated: 2026-06-01. Review status: criteria provided, single submitter. Criteria: CeGaT Center For Human Genetics Tuebingen Variant Classification Criteria Version 2. Collection method: clinical testing. Allele origin: germline. Affected: yes. Observed: 2 variant alleles.
Comment: CNTNAP2: BP4, BP7

Labcorp Genetics (formerly Invitae), Labcorp
Classification: Benign for Cortical dysplasia-focal epilepsy syndrome. Last evaluated: 2026-01-26. Review status: criteria provided, single submitter. Criteria: Invitae Variant Classification Sherloc (09022015). Collection method: clinical testing. Allele origin: germline.

Blueprint Genetics
Classification: Likely benign. Last evaluated: 2024-10-08. Review status: criteria provided, single submitter. Criteria: ACMG Guidelines, 2015. Collection method: clinical testing. Allele origin: germline.

ARUP Laboratories, Molecular Genetics and Genomics, ARUP Laboratories
Classification: Benign. Last evaluated: 2023-12-21. Review status: criteria provided, single submitter. Criteria: ARUP Molecular Germline Variant Investigation Process 2024. Collection method: clinical testing. Allele origin: germline.

Illumina Laboratory Services, Illumina
Classification: Likely benign for Cortical dysplasia-focal epilepsy syndrome. Last evaluated: 2018-01-13. Review status: criteria provided, single submitter. Criteria: ICSL Variant Classification Criteria 13 December 2019. Collection method: clinical testing. Allele origin: germline.
Comment: This variant was observed in the ICSL laboratory as part of a predisposition screen in an ostensibly healthy population. It had not been previously curated by ICSL or reported in the Human Gene Mutation Database (HGMD: prior to June 1st, 2018), and was therefore a candidate for classification through an automated scoring system. Utilizing variant allele frequency, disease prevalence and penetrance estimates, and inheritance mode, an automated score was calculated to assess if this variant is too frequent to cause the disease. Based on the score and internal cut-off values, a variant classified as likely benign is not then subjected to further curation. The score for this variant resulted in a classification of likely benign for this disease.

Ambry Genetics
Classification: Likely benign for Inborn genetic diseases. Last evaluated: 2017-02-10. Review status: criteria provided, single submitter. Criteria: Ambry Variant Classification Scheme 2023. Collection method: clinical testing. Allele origin: germline.

Genetic Services Laboratory, University of Chicago
Classification: Likely benign. Last evaluated: 2016-08-22. Review status: criteria provided, single submitter. Criteria: ACMG Guidelines, 2015. Collection method: clinical testing. Allele origin: germline. Affected: no.

GeneDx
Classification: Benign. Last evaluated: 2014-03-27. Review status: criteria provided, single submitter. Criteria: GeneDx Variant Classification (06012015). Collection method: clinical testing. Allele origin: germline. Affected: yes.
Comment: This variant is considered likely benign or benign based on one or more of the following criteria: it is a conservative change, it occurs at a poorly conserved position in the protein, it is predicted to be benign by multiple in silico algorithms, and/or has population frequency not consistent with disease.